The following is an entry in ClinVar:

ClinVar aggregate classification (germline): Benign/Likely benign. Review status: criteria provided, multiple submitters, no conflicts (2 of 4 stars). 3 submissions from 3 submitters: Benign (1); Likely benign (2). Last evaluated 2024-08-21.

Conditions:
Hereditary cancer-predisposing syndrome. Also called: Neoplastic Syndromes, Hereditary; Hereditary neoplastic syndrome; Tumor predisposition; Hereditary Cancer Syndrome. Identifiers: Orphanet 140162, MedGen C0027672, MeSH D009386, MONDO:0015356.
Fanconi anemia complementation group J. Also called: BRIP1-Related Fanconi Anemia. Identifiers: Orphanet 84, MedGen C1836860, MONDO:0012187, OMIM 609054.
Familial cancer of breast. Also called: BREAST CANCER, FAMILIAL; hereditary breast carcinoma; Hereditary breast cancer. Identifiers: Orphanet 227535, MedGen C0346153, MONDO:0016419, OMIM 114480. Disease mechanism: loss of function.

Allele frequency attached by ClinVar (database versions not stated): TOPMed below 0.00001.
gnomAD v4.1: 1 of 1,613,526 alleles (0.000062%); no homozygotes.

Submissions (3):

Myriad Genetics, Inc.
Classification: Benign for Familial cancer of breast. Last evaluated: 2024-08-21. Review status: criteria provided, single submitter. Criteria: Myriad Autosomal Dominant, Autosomal Recessive and X-Linked Classification Criteria (2023). Collection method: clinical testing. Allele origin: unknown.
Comment: This variant is considered benign. This variant is a silent/synonymous amino acid change and it is not expected to impact splicing.

Labcorp Genetics (formerly Invitae), Labcorp
Classification: Likely benign for Familial cancer of breast; Fanconi anemia complementation group J. Last evaluated: 2024-07-30. Review status: criteria provided, single submitter. Criteria: Invitae Variant Classification Sherloc (09022015). Collection method: clinical testing. Allele origin: germline.

Ambry Genetics
Classification: Likely benign for Hereditary cancer-predisposing syndrome. Last evaluated: 2020-11-27. Review status: criteria provided, single submitter. Criteria: Ambry Variant Classification Scheme 2023. Collection method: clinical testing. Allele origin: germline.

NM_032043.3(BRIP1):c.462T>C (p.Phe154=)

Gene: BRIP1 (BRCA1 interacting DNA helicase 1; minus strand). Cytogenetic location: 17q23.2.
Variant type: single nucleotide variant.
Coding change: c.462T>C on transcript NM_032043.3 (MANE Select); coding-DNA position 462, T replaced by C.
Protein change: p.Phe154=; no amino-acid change (phenylalanine 154 retained).
Molecular consequence: synonymous variant.
Genome position (GRCh38, 1-based): chr17:61,849,174, A>G on the plus strand (T>C on the coding strand, the complement: BRIP1 is on the minus strand). VCF-style: chr17-61849174-A-G. GRCh37 (hg19) VCF-style: chr17-59926535-A-G.
Identifiers: ClinVar variation 530361 (VCV000530361.13), dbSNP rs1555616156, ClinGen allele CA501150884.